The following is an entry in ClinVar:

ClinVar aggregate classification (germline): Uncertain significance (1 of 4 stars; one submission).

gnomAD v4.1: 1 of 1,614,144 alleles (0.000062%); highest among the groups gnomAD compares: Non-Finnish European, 0.000085%; no homozygotes.

Submission:

Greenwood Genetic Center Diagnostic Laboratories, Greenwood Genetic Center
Classification: Uncertain significance. Last evaluated: 2021-01-05. Review status: criteria provided, single submitter. Criteria: ACMG Guidelines, 2015. Collection method: clinical testing. Allele origin: germline. Affected: yes.
Comment: PM2

NM_002249.6(KCNN3):c.1652C>T (p.Ala551Val)

Gene: KCNN3 (potassium calcium-activated channel subfamily N member 3; minus strand). Cytogenetic location: 1q21.3.
Variant type: single nucleotide variant.
Coding change: c.1652C>T on transcript NM_002249.6 (MANE Select); coding-DNA position 1652, C replaced by T.
Protein change: p.Ala551Val; replaces alanine 551 with valine.
Molecular consequence: missense variant.
Genome position (GRCh38, 1-based): chr1:154,725,965, G>A on the plus strand (C>T on the coding strand, the complement: KCNN3 is on the minus strand). VCF-style: chr1-154725965-G-A. GRCh37 (hg19) VCF-style: chr1-154698441-G-A.
Other names: c.1697C>T, p.Ala566Val (NM_001204087.2); c.758C>T, p.Ala253Val (NM_001365837.1); c.713C>T, p.Ala238Val (NM_001365838.1); c.737C>T, p.Ala246Val (NM_170782.3); short protein forms A238V, A246V, A253V, A551V, A566V.
Identifiers: ClinVar variation 1331578 (VCV001331578.4), dbSNP rs1557944131, ClinGen allele CA343069184.